The following is an entry in ClinVar:

NM_006767.4(LZTR1):c.1099C>G (p.Leu367Val)

Gene: LZTR1 (leucine zipper like post translational regulator 1; plus strand). Cytogenetic location: 22q11.21.
Variant type: single nucleotide variant.
Coding change: c.1099C>G on transcript NM_006767.4 (MANE Select); coding-DNA position 1099, C replaced by G.
Protein change: p.Leu367Val; replaces leucine 367 with valine.
Molecular consequence: missense variant.
Genome position (GRCh38, 1-based): chr22:20,992,319, C>G. VCF-style: chr22-20992319-C-G. GRCh37 (hg19) VCF-style: chr22-21346608-C-G.
Other names: short protein forms L367V.
Identifiers: ClinVar variation 1791485 (VCV001791485.8), dbSNP rs45572935, ClinGen allele CA10118718.

ClinVar aggregate classification (germline): Conflicting classifications of pathogenicity. Review status: criteria provided, conflicting classifications (1 of 4 stars). 3 submissions from 3 submitters: Uncertain significance (2); Likely benign (1). Last evaluated 2024-12-04.

Conditions:
Hereditary cancer-predisposing syndrome. Also called: Hereditary neoplastic syndrome; Neoplastic Syndromes, Hereditary; Tumor predisposition; Hereditary Cancer Syndrome. Identifiers: Orphanet 140162, MedGen C0027672, MeSH D009386, MONDO:0015356.
Cardiovascular phenotype. Identifiers: MedGen CN230736.

Allele frequency attached by ClinVar (database versions not stated): gnomAD 0.00002; TOPMed 0.00002; 1000 Genomes Project 30x 0.00016; 1000 Genomes Project 0.00020.
gnomAD v4.1: 48 of 1,613,974 alleles (0.003%); highest among the groups gnomAD compares: Non-Finnish European, 0.004%; no homozygotes.

Submissions (3):

Labcorp Genetics (formerly Invitae), Labcorp
Classification: Uncertain significance. Last evaluated: 2024-12-04. Review status: criteria provided, single submitter. Criteria: Invitae Variant Classification Sherloc (09022015). Collection method: clinical testing. Allele origin: germline.
Comment: This sequence change replaces leucine, which is neutral and non-polar, with valine, which is neutral and non-polar, at codon 367 of the LZTR1 protein (p.Leu367Val). This variant is present in population databases (rs45572935, gnomAD 0.003%). This variant has not been reported in the literature in individuals affected with LZTR1-related conditions. ClinVar contains an entry for this variant (Variation ID: 1791485). Invitae Evidence Modeling of protein sequence and biophysical properties (such as structural, functional, and spatial information, amino acid conservation, physicochemical variation, residue mobility, and thermodynamic stability) indicates that this missense variant is not expected to disrupt LZTR1 protein function with a negative predictive value of 80%. In summary, the available evidence is currently insufficient to determine the role of this variant in disease. Therefore, it has been classified as a Variant of Uncertain Significance.

Ambry Genetics
Classification: Uncertain significance for Cardiovascular phenotype; Hereditary cancer-predisposing syndrome. Last evaluated: 2023-10-10. Review status: criteria provided, single submitter. Criteria: Ambry Variant Classification Scheme 2023. Collection method: clinical testing. Allele origin: germline.
Comment: The p.L367V variant (also known as c.1099C>G), located in coding exon 10 of the LZTR1 gene, results from a C to G substitution at nucleotide position 1099. The leucine at codon 367 is replaced by valine, an amino acid with highly similar properties. This amino acid position is highly conserved in available vertebrate species. In addition, this alteration is predicted to be tolerated by in silico analysis. Since supporting evidence is limited at this time, the clinical significance of this alteration remains unclear.

Blueprint Genetics
Classification: Likely benign. Last evaluated: 2022-10-04. Review status: criteria provided, single submitter. Criteria: ACMG Guidelines, 2015. Collection method: clinical testing. Allele origin: germline.